The following is an entry in ClinVar:

NM_000601.6(HGF):c.1602G>C (p.Gln534His)

Gene: HGF (hepatocyte growth factor; minus strand). Cytogenetic location: 7q21.11.
Variant type: single nucleotide variant.
Coding change: c.1602G>C on transcript NM_000601.6 (MANE Select); coding-DNA position 1602, G replaced by C.
Protein change: p.Gln534His; replaces glutamine 534 with histidine.
Molecular consequence: missense variant.
Genome position (GRCh38, 1-based): chr7:81,707,304, C>G on the plus strand (G>C on the coding strand, the complement: HGF is on the minus strand). VCF-style: chr7-81707304-C-G. GRCh37 (hg19) VCF-style: chr7-81336620-C-G.
Other names: c.1587G>C, p.Gln529His (NM_001010932.3); short protein forms Q529H, Q534H.
Identifiers: ClinVar variation 1472755 (VCV001472755.6), dbSNP rs1314775706, ClinGen allele CA367873042.

ClinVar aggregate classification (germline): Uncertain significance (1 of 4 stars; one submission).

Submission:

Labcorp Genetics (formerly Invitae), Labcorp
Classification: Uncertain significance. Last evaluated: 2023-12-11. Review status: criteria provided, single submitter. Criteria: Invitae Variant Classification Sherloc (09022015). Collection method: clinical testing. Allele origin: germline.
Comment: This sequence change replaces glutamine, which is neutral and polar, with histidine, which is basic and polar, at codon 534 of the HGF protein (p.Gln534His). This variant is not present in population databases (gnomAD no frequency). This variant has not been reported in the literature in individuals affected with HGF-related conditions. ClinVar contains an entry for this variant (Variation ID: 1472755). An algorithm developed to predict the effect of missense changes on protein structure and function (PolyPhen-2) suggests that this variant is likely to be tolerated. Experimental studies have shown that this missense change does not substantially affect HGF function (PMID: 1321034, 1661588). In summary, the available evidence is currently insufficient to determine the role of this variant in disease. Therefore, it has been classified as a Variant of Uncertain Significance.

Literature cited by the submitters: PubMed 1321034; PubMed 1661588.